The following is an entry in ClinVar:

NM_004100.5(EYA4):c.853T>C (p.Tyr285His)

Gene: EYA4 (EYA transcriptional coactivator and phosphatase 4; plus strand). Cytogenetic location: 6q23.2.
Variant type: single nucleotide variant.
Coding change: c.853T>C on transcript NM_004100.5 (MANE Select); coding-DNA position 853, T replaced by C.
Protein change: p.Tyr285His; replaces tyrosine 285 with histidine.
Molecular consequence: missense variant.
Genome position (GRCh38, 1-based): chr6:133,468,614, T>C. VCF-style: chr6-133468614-T-C. GRCh37 (hg19) VCF-style: chr6-133789752-T-C.
Other names: c.691T>C, p.Tyr231His (NM_001301012.2, NM_001370459.1); c.853T>C, p.Tyr285His (NM_001301013.2, NM_172105.4); c.784T>C, p.Tyr262His (NM_001370458.1, NM_172103.4); short protein forms Y285H, Y262H, Y231H.
Identifiers: ClinVar variation 3707149 (VCV003707149.2).

ClinVar aggregate classification (germline): Uncertain significance (1 of 4 stars; one submission).

Conditions:
Dilated cardiomyopathy 1J (CMD1J). Also called: CARDIOMYOPATHY, DILATED, WITH SENSORINEURAL HEARING LOSS, AUTOSOMAL DOMINANT. Identifiers: Orphanet 217622, MedGen C1854368, MONDO:0011541, OMIM 605362.

Submission:

Labcorp Genetics (formerly Invitae), Labcorp
Classification: Uncertain significance for Dilated cardiomyopathy 1J. Last evaluated: 2024-11-28. Review status: criteria provided, single submitter. Criteria: Invitae Variant Classification Sherloc (09022015). Collection method: clinical testing. Allele origin: germline.
Comment: This sequence change replaces tyrosine, which is neutral and polar, with histidine, which is basic and polar, at codon 285 of the EYA4 protein (p.Tyr285His). This variant is not present in population databases (gnomAD no frequency). This variant has not been reported in the literature in individuals affected with EYA4-related conditions. Invitae Evidence Modeling of protein sequence and biophysical properties (such as structural, functional, and spatial information, amino acid conservation, physicochemical variation, residue mobility, and thermodynamic stability) has been performed for this missense variant. However, the output from this modeling did not meet the statistical confidence thresholds required to predict the impact of this variant on EYA4 protein function. In summary, the available evidence is currently insufficient to determine the role of this variant in disease. Therefore, it has been classified as a Variant of Uncertain Significance.